The following is an entry in ClinVar:

NM_001164508.2(NEB):c.5601C>G (p.Thr1867=)

Gene: NEB (nebulin; minus strand). Cytogenetic location: 2q23.3.
Variant type: single nucleotide variant.
Coding change: c.5601C>G on transcript NM_001164508.2 (MANE Select); coding-DNA position 5601, C replaced by G.
Protein change: p.Thr1867=; no amino-acid change (threonine 1867 retained).
Molecular consequence: synonymous variant.
Genome position (GRCh38, 1-based): chr2:151,663,710, G>C on the plus strand (C>G on the coding strand, the complement: NEB is on the minus strand). VCF-style: chr2-151663710-G-C. GRCh37 (hg19) VCF-style: chr2-152520224-G-C.
Other names: c.5601C>G, p.Thr1867= (NM_001164507.2, NM_001271208.2, NM_004543.5); c.5601C>G (NM_001271208.1).
Identifiers: ClinVar variation 1142176 (VCV001142176.10), dbSNP rs2154172565, ClinGen allele CA429453268.
Genomic context (GRCh38, chr2:151,663,710, plus strand): 5'-CACTTCCTGAGACTTCTTGGCTGCCACCACACTGAGCATGTCCACCGGGGTGTGGAAGGA[G>C]GTCTTGGATTTCTCATATCCCTTCTTGTATTCCCGGTCTGACTGCATCTTGGCCACTTGC-3'
Protein context (NP_001157980.2, residues 1857-1877): EYKKGYEKSK[Thr1867=]SFHTPVDMLS

ClinVar aggregate classification (germline): Likely benign. Review status: criteria provided, single submitter (1 of 4 stars). 2 submissions from 2 submitters: Likely benign (1). 1 of the submissions does not count toward it. Last evaluated 2023-04-07.

Conditions:
NEB-related disorder. Also called: NEB-related condition; NEB-Related Disorders.
Nemaline myopathy 2 (NEM2). Also called: Nemaline myopathy 2, autosomal recessive. Identifiers: MedGen C1850569, MONDO:0009725, OMIM 256030.

gnomAD v4.1: 1 of 1,613,782 alleles (0.000062%); highest among the groups gnomAD compares: Non-Finnish European, 0.000085%; no homozygotes.

Submissions (2):

Labcorp Genetics (formerly Invitae), Labcorp
Classification: Likely benign for Nemaline myopathy 2. Last evaluated: 2023-04-07. Review status: criteria provided, single submitter. Criteria: Invitae Variant Classification Sherloc (09022015). Collection method: clinical testing. Allele origin: germline.

PreventionGenetics, part of Exact Sciences
Classification: Likely benign for NEB-related condition. Last evaluated: 2024-08-07. Review status: no assertion criteria provided. Collection method: clinical testing. Allele origin: germline. Not counted in ClinVar's aggregate classification.
Comment: This variant is classified as likely benign based on ACMG/AMP sequence variant interpretation guidelines (Richards et al. 2015 PMID: 25741868, with internal and published modifications).